The following is an entry in ClinVar:

NM_014915.3(ANKRD26):c.1394G>C (p.Gly465Ala)

Gene: ANKRD26 (ankyrin repeat domain 26; minus strand). Cytogenetic location: 10p12.1.
Variant type: single nucleotide variant.
Coding change: c.1394G>C on transcript NM_014915.3 (MANE Select); coding-DNA position 1394, G replaced by C.
Protein change: p.Gly465Ala; replaces glycine 465 with alanine.
Molecular consequence: missense variant.
Genome position (GRCh38, 1-based): chr10:27,061,212, C>G on the plus strand (G>C on the coding strand, the complement: ANKRD26 is on the minus strand). VCF-style: chr10-27061212-C-G. GRCh37 (hg19) VCF-style: chr10-27350141-C-G.
Other names: c.1394G>C, p.Gly465Ala (NM_001256053.2); short protein forms G465A.
Identifiers: ClinVar variation 4579003 (VCV004579003.1).

ClinVar aggregate classification (germline): Uncertain significance (1 of 4 stars; one submission).

Conditions:
Inborn genetic diseases. Identifiers: MedGen C0950123, MeSH D030342.

gnomAD v4.1: 13 of 1,609,890 alleles (0.00081%); highest among the groups gnomAD compares: South Asian, 0.014%; no homozygotes.

Submission:

Ambry Genetics
Classification: Uncertain significance for Inborn genetic diseases. Last evaluated: 2025-09-28. Review status: criteria provided, single submitter. Criteria: Ambry Variant Classification Scheme 2023. Collection method: clinical testing. Allele origin: germline.
Comment: The p.G465A variant (also known as c.1394G>C), located in coding exon 13 of the ANKRD26 gene, results from a G to C substitution at nucleotide position 1394. The glycine at codon 465 is replaced by alanine, an amino acid with similar properties. This amino acid position is conserved. In addition, this alteration is predicted to be tolerated by in silico analysis. Based on the available evidence, the clinical significance of this variant remains unclear.